The following is an entry in ClinVar:

NM_005787.6(ALG3):c.456C>T (p.Phe152=)

Gene: ALG3 (ALG3 alpha-1,3- mannosyltransferase; minus strand). Cytogenetic location: 3q27.1.
Variant type: single nucleotide variant.
Coding change: c.456C>T on transcript NM_005787.6 (MANE Select); coding-DNA position 456, C replaced by T.
Protein change: p.Phe152=; no amino-acid change (phenylalanine 152 retained).
Molecular consequence: synonymous variant. On other transcripts: non-coding transcript variant (2).
Genome position (GRCh38, 1-based): chr3:184,245,347, G>A on the plus strand (C>T on the coding strand, the complement: ALG3 is on the minus strand). VCF-style: chr3-184245347-G-A. GRCh37 (hg19) VCF-style: chr3-183963135-G-A.
Other names: c.456C>T (NM_005787.5); c.312C>T, p.Phe104= (NM_001006941.2); c.351C>T, p.Phe117= (NM_001006942.1).
Identifiers: ClinVar variation 2732576 (VCV002732576.5), dbSNP rs775788284, ClinGen allele CA2729528.

ClinVar aggregate classification (germline): Likely benign. Review status: criteria provided, single submitter (1 of 4 stars). 2 submissions from 2 submitters: Likely benign (1). 1 of the submissions does not count toward it. Last evaluated 2025-02-03.

Conditions:
ALG3-related disorder. Also called: ALG3-related condition.
ALG3-congenital disorder of glycosylation. Also called: CONGENITAL DISORDER OF GLYCOSYLATION, TYPE Id; CARBOHYDRATE-DEFICIENT GLYCOPROTEIN SYNDROME, TYPE IV; CDGS, TYPE IV; CDG Id; ALG3-CDG. Identifiers: Orphanet 79321, MedGen C1832736, MONDO:0010998, OMIM 601110.

Allele frequency attached by ClinVar (database versions not stated): ExAC 0.00002; gnomAD 0.00002; TOPMed 0.00003; gnomAD exomes 0.00008.
gnomAD v4.1: 112 of 1,612,442 alleles (0.0069%); highest among the groups gnomAD compares: Non-Finnish European, 0.0092%; no homozygotes.

Submissions (2):

Labcorp Genetics (formerly Invitae), Labcorp
Classification: Likely benign for ALG3-congenital disorder of glycosylation. Last evaluated: 2025-02-03. Review status: criteria provided, single submitter. Criteria: Invitae Variant Classification Sherloc (09022015). Collection method: clinical testing. Allele origin: germline.

PreventionGenetics, part of Exact Sciences
Classification: Likely benign for ALG3-related condition. Last evaluated: 2020-03-23. Review status: no assertion criteria provided. Collection method: clinical testing. Allele origin: germline. Not counted in ClinVar's aggregate classification.
Comment: This variant is classified as likely benign based on ACMG/AMP sequence variant interpretation guidelines (Richards et al. 2015 PMID: 25741868, with internal and published modifications).